The following is an entry in ClinVar:

ClinVar aggregate classification (germline): Uncertain significance (1 of 4 stars; one submission).

Conditions:
Hereditary cancer-predisposing syndrome. Also called: Hereditary neoplastic syndrome; Neoplastic Syndromes, Hereditary; Tumor predisposition; Hereditary Cancer Syndrome. Identifiers: Orphanet 140162, MedGen C0027672, MeSH D009386, MONDO:0015356.

gnomAD v4.1: 1 of 1,613,350 alleles (0.000062%); highest among the groups gnomAD compares: South Asian, 0.0011%; no homozygotes.

Submission:

Ambry Genetics
Classification: Uncertain significance for Hereditary cancer-predisposing syndrome. Last evaluated: 2025-07-02. Review status: criteria provided, single submitter. Criteria: Ambry Variant Classification Scheme 2023. Collection method: clinical testing. Allele origin: germline.
Comment: The p.M667I variant (also known as c.2001G>A), located in coding exon 18 of the POLE gene, results from a G to A substitution at nucleotide position 2001. The methionine at codon 667 is replaced by isoleucine, an amino acid with highly similar properties. This amino acid position is conserved. In addition, the in silico prediction for this alteration is inconclusive. Based on the available evidence, the clinical significance of this variant remains unclear.

NM_006231.4(POLE):c.2001G>A (p.Met667Ile)

Gene: POLE (DNA polymerase epsilon, catalytic subunit; minus strand). Cytogenetic location: 12q24.33.
Variant type: single nucleotide variant.
Coding change: c.2001G>A on transcript NM_006231.4 (MANE Select); coding-DNA position 2001, G replaced by A.
Protein change: p.Met667Ile; replaces methionine 667 with isoleucine.
Molecular consequence: missense variant.
Genome position (GRCh38, 1-based): chr12:132,668,660, C>T on the plus strand (G>A on the coding strand, the complement: POLE is on the minus strand). VCF-style: chr12-132668660-C-T. GRCh37 (hg19) VCF-style: chr12-133245246-C-T.
Other names: short protein forms M667I.
Identifiers: ClinVar variation 4141145 (VCV004141145.1).
Genomic context (GRCh38, chr12:132,668,660, plus strand): 5'-CCCACCGAGTGCCCACCCAGGCGGCCGACACTCACTGAACTCGCCCCTCCACTGCCAGGC[C>T]ATCTTCCGCTGGCAGTTTGCTCCAGGCTTATTGAAGTCACAGGCAGCACAGGTGGCTTCG-3'
Protein context (NP_006222.2, residues 657-677): NKPGANCQRK[Met667Ile]AWQWRGEFMP